The following is an entry in ClinVar:

NM_182916.3(TRNT1):c.803-6C>T

Gene: TRNT1 (tRNA nucleotidyl transferase 1; plus strand). Cytogenetic location: 3p26.2.
Variant type: single nucleotide variant.
Coding change: c.803-6C>T on transcript NM_182916.3 (MANE Select); 6 bases into the intron before coding-DNA position 803, C replaced by T.
Molecular consequence: intron variant.
Genome position (GRCh38, 1-based): chr3:3,147,444, C>T. VCF-style: chr3-3147444-C-T. GRCh37 (hg19) VCF-style: chr3-3189128-C-T.
Other names: c.803-6C>T (NM_001367321.1, NM_001367323.1, NM_001367322.1 and 1 more transcripts); c.743-6C>T (NM_001302946.2).
Identifiers: ClinVar variation 382412 (VCV000382412.12), dbSNP rs183382145, ClinGen allele CA2228803.
Genomic context (GRCh38, chr3:3,147,444, plus strand): 5'-GGTTTAGGATATGAGTGGTTTTTTATCCCCACTAAAAACAGGTGAAAAATGCTTTTGTCC[C>T]TACAGGTTTACCTGCTAATGCAAGTTTAGAAGAATTTGACAAAGTCAGTAAAAATGTTGA-3'

ClinVar aggregate classification (germline): Likely benign. Review status: criteria provided, multiple submitters, no conflicts (2 of 4 stars). 3 submissions from 3 submitters: Likely benign (3). Last evaluated 2026-01-23.

Conditions:
Congenital sideroblastic anemia-B-cell immunodeficiency-periodic fever-developmental delay syndrome. Also called: Sideroblastic anemia with B-cell immunodeficiency, periodic fevers, and developmental delay. Identifiers: Orphanet 369861, MedGen C4015172, MONDO:0014487, OMIM 616084.

Allele frequency attached by ClinVar (database versions not stated): gnomAD exomes 0.00006; ExAC 0.00008; ESP Exome Variant Server 0.00008; gnomAD 0.00024 and 0.00025; TOPMed 0.00032; 1000 Genomes Project 30x 0.00047; 1000 Genomes Project 0.00060.
gnomAD v4.1: 85 of 1,612,450 alleles (0.0053%); highest among the groups gnomAD compares: African/African-American, 0.088%; no homozygotes.

Submissions (3):

Women's Health and Genetics/Laboratory Corporation of America, LabCorp
Classification: Likely benign. Last evaluated: 2026-01-23. Review status: criteria provided, single submitter. Criteria: LabCorp Variant Classification Summary - May 2015. Collection method: clinical testing. Allele origin: germline.

Labcorp Genetics (formerly Invitae), Labcorp
Classification: Likely benign for Congenital sideroblastic anemia-B-cell immunodeficiency-periodic fever-developmental delay syndrome. Last evaluated: 2025-08-14. Review status: criteria provided, single submitter. Criteria: Invitae Variant Classification Sherloc (09022015). Collection method: clinical testing. Allele origin: germline.

GeneDx
Classification: Likely benign. Last evaluated: 2017-02-20. Review status: criteria provided, single submitter. Criteria: GeneDx Variant Classification (06012015). Collection method: clinical testing. Allele origin: germline. Affected: yes.
Comment: This variant is considered likely benign or benign based on one or more of the following criteria: it is a conservative change, it occurs at a poorly conserved position in the protein, it is predicted to be benign by multiple in silico algorithms, and/or has population frequency not consistent with disease.